The following is an entry in ClinVar:

NM_005045.4(RELN):c.4855A>G (p.Asn1619Asp)

Gene: RELN (reelin; minus strand). Cytogenetic location: 7q22.1.
Variant type: single nucleotide variant.
Coding change: c.4855A>G on transcript NM_005045.4 (MANE Select); coding-DNA position 4855, A replaced by G.
Protein change: p.Asn1619Asp; replaces asparagine 1619 with aspartic acid.
Molecular consequence: missense variant.
Genome position (GRCh38, 1-based): chr7:103,566,305, T>C on the plus strand (A>G on the coding strand, the complement: RELN is on the minus strand). VCF-style: chr7-103566305-T-C. GRCh37 (hg19) VCF-style: chr7-103206752-T-C.
Other names: c.4855A>G (NM_005045.3); c.4855A>G, p.Asn1619Asp (NM_173054.3); short protein forms N1619D.
Identifiers: ClinVar variation 1035955 (VCV001035955.11), dbSNP rs1830750187, ClinGen allele CA368747973.

ClinVar aggregate classification (germline): Uncertain significance. Review status: criteria provided, multiple submitters, no conflicts (2 of 4 stars). 2 submissions from 2 submitters: Uncertain significance (2). Last evaluated 2022-04-29.

Conditions:
Norman-Roberts syndrome (LIS2). Also called: Lissencephaly 2 (Norman-Roberts type). Identifiers: Orphanet 89844, MedGen C0796089, MONDO:0009760, OMIM 257320.
Familial temporal lobe epilepsy 7. Identifiers: Orphanet 101046, MedGen C4225327, MONDO:0014639, OMIM 616436.

Allele frequency attached by ClinVar (database versions not stated): gnomAD exomes 0.00001.
gnomAD v4.1: 10 of 1,614,086 alleles (0.00062%); highest among the groups gnomAD compares: Non-Finnish European, 0.00085%; no homozygotes.

Submissions (2):

Labcorp Genetics (formerly Invitae), Labcorp
Classification: Uncertain significance for Familial temporal lobe epilepsy 7; Norman-Roberts syndrome. Last evaluated: 2022-04-29. Review status: criteria provided, single submitter. Criteria: Invitae Variant Classification Sherloc (09022015). Collection method: clinical testing. Allele origin: germline.
Comment: In summary, the available evidence is currently insufficient to determine the role of this variant in disease. Therefore, it has been classified as a Variant of Uncertain Significance. Algorithms developed to predict the effect of missense changes on protein structure and function (SIFT, PolyPhen-2, Align-GVGD) all suggest that this variant is likely to be tolerated. ClinVar contains an entry for this variant (Variation ID: 1035955). This variant has not been reported in the literature in individuals affected with RELN-related conditions. This variant is not present in population databases (gnomAD no frequency). This sequence change replaces asparagine, which is neutral and polar, with aspartic acid, which is acidic and polar, at codon 1619 of the RELN protein (p.Asn1619Asp).

Revvity Omics, Revvity
Classification: Uncertain significance for Norman-Roberts syndrome. Last evaluated: 2020-04-23. Review status: criteria provided, single submitter. Criteria: ACMG Guidelines, 2015. Collection method: clinical testing. Allele origin: germline.